The following is an entry in ClinVar:

ClinVar aggregate classification (germline): Pathogenic (1 of 4 stars; one submission).

Conditions:
Junctional epidermolysis bullosa. Identifiers: Orphanet 305, MedGen C0079301, MONDO:0017612.

Submission:

Myriad Genetics, Inc.
Classification: Pathogenic for Junctional epidermolysis bullosa. Last evaluated: 2023-09-27. Review status: criteria provided, single submitter. Criteria: Myriad Autosomal Dominant, Autosomal Recessive and X-Linked Classification Criteria (2023). Collection method: clinical testing. Allele origin: unknown.
Comment: NM_000228.2(LAMB3):c.1220dupG(E408Rfs*4) is expected to be pathogenic in the context of junctional epidermolysis bullosa, LAMB3-related. This variant is predicted to lead to an abnormal or absent protein product due to the creation of a premature termination codon in LAMB3, a gene where loss-of-function variants are known to be pathogenic. Please note: this variant was assessed in the context of healthy population screening.

NM_000228.3(LAMB3):c.1220dup (p.Glu408fs)

Gene: LAMB3 (laminin subunit beta 3; minus strand). Cytogenetic location: 1q32.2.
Variant type: Duplication.
Coding change: c.1220dup on transcript NM_000228.3 (MANE Select); coding-DNA position 1220, one base duplicated (G; older notation c.1220dupG).
Protein change: p.Glu408fs; shifts the reading frame from glutamic acid 408.
Molecular consequence: frameshift variant.
Genome position (GRCh38, 1-based): chr1:209,628,103, C duplicated on the plus strand (G on the coding strand, the reverse complement: LAMB3 is on the minus strand); the first of 3 consecutive C bases (chr1:209,628,103-209,628,105); duplicating any one gives the same sequence. VCF-style (leftmost placement, unchanged base first): chr1-209628102-T-TC. GRCh37 (hg19) VCF-style: chr1-209801447-T-TC.
Other names: c.1220dup, p.Glu408fs (NM_001017402.2, NM_001127641.1); short protein forms E408fs.
Identifiers: ClinVar variation 5012296 (VCV005012296.1).